The following is an entry in ClinVar:

NM_004260.4(RECQL4):c.2210C>A (p.Pro737His)

Gene: RECQL4 (RecQ like helicase 4; minus strand). Cytogenetic location: 8q24.3.
Variant type: single nucleotide variant.
Coding change: c.2210C>A on transcript NM_004260.4 (MANE Select); coding-DNA position 2210, C replaced by A.
Protein change: p.Pro737His; replaces proline 737 with histidine.
Molecular consequence: missense variant.
Genome position (GRCh38, 1-based): chr8:144,513,471, G>T on the plus strand (C>A on the coding strand, the complement: RECQL4 is on the minus strand). VCF-style: chr8-144513471-G-T. GRCh37 (hg19) VCF-style: chr8-145738855-G-T.
Other names: c.2210C>A (NM_004260.3); c.2114C>A, p.Pro705His (NM_001413017.1, NM_001413020.1); c.2210C>A, p.Pro737His (NM_001413018.1, NM_001413019.1, NM_001413036.1); c.1139C>A, p.Pro380His (NM_001413021.1, NM_001413022.1, NM_001413023.1 and 6 more transcripts); c.2081C>A, p.Pro694His (NM_001413025.1); c.1073C>A, p.Pro358His (NM_001413027.1, NM_001413030.1, NM_001413032.1 and 1 more transcripts); c.1859C>A, p.Pro620His (NM_001413029.1); c.941C>A, p.Pro314His (NM_001413031.1); and 5 more; short protein forms P248H, P693H, P705H, P314H, P380H, P727H, P336H, P370H.
Identifiers: ClinVar variation 2031264 (VCV002031264.5), dbSNP rs773886849, ClinGen allele CA4948381.
Genomic context (GRCh38, chr8:144,513,471, plus strand): 5'-TGTACCCGCCGCCGTTCCCGGCTGCACATGCCCGCGTGGTAGGCCTCGGCTGTGGTTTTG[G>T]GGGCACGACCTTTGGGGAAGACAGGCAGATGGTCAGTGGGATGGGACCATGTGTGCCCAA-3'
Protein context (NP_004251.4, residues 727-747): AWVPGSGGRA[Pro737His]KTTAEAYHAG

ClinVar aggregate classification (germline): Uncertain significance. Review status: criteria provided, multiple submitters, no conflicts (2 of 4 stars). 2 submissions from 2 submitters: Uncertain significance (2). Last evaluated 2026-03-24.

Conditions:
Inborn genetic diseases. Identifiers: MedGen C0950123, MeSH D030342.
Baller-Gerold syndrome (BGS). Also called: CRANIOSYNOSTOSIS WITH RADIAL DEFECTS. Identifiers: Orphanet 1225, MedGen C0265308, MONDO:0009039, OMIM 218600.

Allele frequency attached by ClinVar (database versions not stated): ExAC 0.00001.
gnomAD v4.1: 3 of 1,609,872 alleles (0.00019%); highest among the groups gnomAD compares: Middle Eastern, 0.017%; no homozygotes.

Submissions (2):

Ambry Genetics
Classification: Uncertain significance for Inborn genetic diseases. Last evaluated: 2026-03-24. Review status: criteria provided, single submitter. Criteria: Ambry Variant Classification Scheme 2023. Collection method: clinical testing. Allele origin: germline.
Comment: The p.P737H variant (also known as c.2210C>A), located in coding exon 14 of the RECQL4 gene, results from a C to A substitution at nucleotide position 2210. The proline at codon 737 is replaced by histidine, an amino acid with similar properties. This amino acid position is conserved. In addition, the in silico prediction for this alteration is inconclusive. Based on the available evidence, the clinical significance of this variant remains unclear.

Labcorp Genetics (formerly Invitae), Labcorp
Classification: Uncertain significance for Baller-Gerold syndrome. Last evaluated: 2025-11-17. Review status: criteria provided, single submitter. Criteria: Invitae Variant Classification Sherloc (09022015). Collection method: clinical testing. Allele origin: germline.
Comment: This sequence change replaces proline, which is neutral and non-polar, with histidine, which is basic and polar, at codon 737 of the RECQL4 protein (p.Pro737His). This variant is present in population databases (rs773886849, gnomAD 0.007%). This variant has not been reported in the literature in individuals affected with RECQL4-related conditions. ClinVar contains an entry for this variant (Variation ID: 2031264). Invitae Evidence Modeling of protein sequence and biophysical properties (such as structural, functional, and spatial information, amino acid conservation, physicochemical variation, residue mobility, and thermodynamic stability) indicates that this missense variant is expected to disrupt RECQL4 protein function with a positive predictive value of 80%. In summary, the available evidence is currently insufficient to determine the role of this variant in disease. Therefore, it has been classified as a Variant of Uncertain Significance.